The following is an entry in ClinVar:

ClinVar aggregate classification (germline): Uncertain significance (1 of 4 stars; one submission).

Submission:

Labcorp Genetics (formerly Invitae), Labcorp
Classification: Uncertain significance. Last evaluated: 2023-07-29. Review status: criteria provided, single submitter. Criteria: Invitae Variant Classification Sherloc (09022015). Collection method: clinical testing. Allele origin: germline.
Comment: Advanced modeling of protein sequence and biophysical properties (such as structural, functional, and spatial information, amino acid conservation, physicochemical variation, residue mobility, and thermodynamic stability) performed at Invitae indicates that this missense variant is not expected to disrupt DCHS1 protein function. This variant has not been reported in the literature in individuals affected with DCHS1-related conditions. This variant is not present in population databases (gnomAD no frequency). This sequence change replaces proline, which is neutral and non-polar, with serine, which is neutral and polar, at codon 593 of the DCHS1 protein (p.Pro593Ser). In summary, the available evidence is currently insufficient to determine the role of this variant in disease. Therefore, it has been classified as a Variant of Uncertain Significance.

NM_003737.4(DCHS1):c.1777C>T (p.Pro593Ser)

Gene: DCHS1 (dachsous cadherin-related 1; minus strand). Cytogenetic location: 11p15.4.
Variant type: single nucleotide variant.
Coding change: c.1777C>T on transcript NM_003737.4 (MANE Select); coding-DNA position 1777, C replaced by T.
Protein change: p.Pro593Ser; replaces proline 593 with serine.
Molecular consequence: missense variant.
Genome position (GRCh38, 1-based): chr11:6,639,837, G>A on the plus strand (C>T on the coding strand, the complement: DCHS1 is on the minus strand). VCF-style: chr11-6639837-G-A. GRCh37 (hg19) VCF-style: chr11-6661068-G-A.
Other names: short protein forms P593S.
Identifiers: ClinVar variation 2783558 (VCV002783558.3), dbSNP rs910237387, ClinGen allele CA379429808.
Genomic context (GRCh38, chr11:6,639,837, plus strand): 5'-TTCCCCCAACACTATCTTGCTATGTGCCAGGCCTACCCACCTGCAGGAAGCAAGTTCCAG[G>A]CTGGGTGCCCTCAGGCAGTGAGGCATTGTAGAAAGTCCTCTGGAATTGGGGCTCATTATC-3'
Protein context (NP_003728.1, residues 583-603): YNASLPEGTQ[Pro593Ser]GTCFLQVTAT